The following is an entry in ClinVar:

NM_006545.5(NPRL2):c.938T>G (p.Leu313Arg)

Gene: NPRL2 (NPR2 like, GATOR1 complex subunit; minus strand). Cytogenetic location: 3p21.31.
Variant type: single nucleotide variant.
Coding change: c.938T>G on transcript NM_006545.5 (MANE Select); coding-DNA position 938, T replaced by G.
Protein change: p.Leu313Arg; replaces leucine 313 with arginine.
Molecular consequence: missense variant.
Genome position (GRCh38, 1-based): chr3:50,347,896, A>C on the plus strand (T>G on the coding strand, the complement: NPRL2 is on the minus strand). VCF-style: chr3-50347896-A-C. GRCh37 (hg19) VCF-style: chr3-50385327-A-C.
Other names: short protein forms L313R.
Identifiers: ClinVar variation 1309694 (VCV001309694.2), dbSNP rs2109364037, ClinGen allele CA352948230.

ClinVar aggregate classification (germline): Uncertain significance (1 of 4 stars; one submission).

Submission:

GeneDx
Classification: Uncertain significance. Last evaluated: 2019-11-02. Review status: criteria provided, single submitter. Criteria: GeneDx Variant Classification Process June 2021. Collection method: clinical testing. Allele origin: germline. Affected: yes.
Comment: Not observed in large population cohorts (Lek et al., 2016); In silico analysis, which includes protein predictors and evolutionary conservation, supports a deleterious effect; Has not been previously published as pathogenic or benign to our knowledge